The following is an entry in ClinVar:

ClinVar aggregate classification (germline): Uncertain significance. Review status: criteria provided, multiple submitters, no conflicts (2 of 4 stars). 2 submissions from 2 submitters: Uncertain significance (2). Last evaluated 2026-07-19.

Conditions:
Inborn genetic diseases. Identifiers: MedGen C0950123, MeSH D030342.
Arginine:glycine amidinotransferase deficiency (CCDS3). Also called: L-Arginine:Glycine Amidinotransferase Deficiency; AGAT deficiency; Creatine deficiency syndrome due to AGAT deficiency; GATM deficiency; L-Arginine:Glycine Amidinotransferase (AGAT) Deficiency; Cerebral creatine deficiency syndrome 3. Identifiers: Orphanet 35704, MedGen C2675179, MONDO:0012996, OMIM 612718.

Allele frequency attached by ClinVar (database versions not stated): gnomAD 0.00001.
gnomAD v4.1: 3 of 1,613,926 alleles (0.00019%); highest among the groups gnomAD compares: Admixed American, 0.0017%; no homozygotes.

Submissions (2):

Ambry Genetics
Classification: Uncertain significance for Inborn genetic diseases. Last evaluated: 2026-07-19. Review status: criteria provided, single submitter. Criteria: Ambry Variant Classification Scheme 2023. Collection method: clinical testing. Allele origin: germline.

Labcorp Genetics (formerly Invitae), Labcorp
Classification: Uncertain significance for Arginine:glycine amidinotransferase deficiency. Last evaluated: 2025-05-10. Review status: criteria provided, single submitter. Criteria: Invitae Variant Classification Sherloc (09022015). Collection method: clinical testing. Allele origin: germline.
Comment: This sequence change replaces arginine, which is basic and polar, with glutamine, which is neutral and polar, at codon 34 of the GATM protein (p.Arg34Gln). This variant is not present in population databases (gnomAD no frequency). This variant has not been reported in the literature in individuals affected with GATM-related conditions. ClinVar contains an entry for this variant (Variation ID: 1411419). Invitae Evidence Modeling of protein sequence and biophysical properties (such as structural, functional, and spatial information, amino acid conservation, physicochemical variation, residue mobility, and thermodynamic stability) indicates that this missense variant is not expected to disrupt GATM protein function with a negative predictive value of 95%. In summary, the available evidence is currently insufficient to determine the role of this variant in disease. Therefore, it has been classified as a Variant of Uncertain Significance.

NM_001482.3(GATM):c.101G>A (p.Arg34Gln)

Gene: GATM (glycine amidinotransferase; minus strand). Cytogenetic location: 15q21.1.
Variant type: single nucleotide variant.
Coding change: c.101G>A on transcript NM_001482.3 (MANE Select); coding-DNA position 101, G replaced by A.
Protein change: p.Arg34Gln; replaces arginine 34 with glutamine.
Molecular consequence: missense variant. On other transcripts: 5 prime UTR variant (1).
Genome position (GRCh38, 1-based): chr15:45,376,788, C>T on the plus strand (G>A on the coding strand, the complement: GATM is on the minus strand). VCF-style: chr15-45376788-C-T. GRCh37 (hg19) VCF-style: chr15-45668986-C-T.
Other names: c.-287G>A (NM_001321015.2); c.101G>A (NM_001482.2); short protein forms R34Q.
Identifiers: ClinVar variation 1411419 (VCV001411419.9), dbSNP rs1889644849, ClinGen allele CA392265835.